The following is an entry in ClinVar:

ClinVar aggregate classification (germline): Benign. Review status: criteria provided, multiple submitters, no conflicts (2 of 4 stars). 2 submissions from 2 submitters: Benign (2). Last evaluated 2018-06-16.

Allele frequency attached by ClinVar (database versions not stated): gnomAD 0.05132 and 0.05328; TOPMed 0.05825; 1000 Genomes Project 0.06150; 1000 Genomes Project 30x 0.06387.
gnomAD v4.1: 32,497 of 1,389,986 alleles (2.3%); highest among the groups gnomAD compares: African/African-American, 14%; 1,019 homozygotes.

Submissions (2):

GeneDx
Classification: Benign. Last evaluated: 2018-06-16. Review status: criteria provided, single submitter. Criteria: GeneDx Variant Classification (06012015). Collection method: clinical testing. Allele origin: germline. Affected: yes.
Comment: This variant is considered likely benign or benign based on one or more of the following criteria: it is a conservative change, it occurs at a poorly conserved position in the protein, it is predicted to be benign by multiple in silico algorithms, and/or has population frequency not consistent with disease.

Breakthrough Genomics
Classification: Benign. Review status: criteria provided, single submitter. Criteria: ACMG Guidelines, 2015. Collection method: not provided. Allele origin: germline. Inheritance: Autosomal recessive inheritance. Affected: yes.

NM_001244008.2(KIF1A):c.2265+100C>T

Gene: KIF1A (kinesin family member 1A; minus strand). Cytogenetic location: 2q37.3.
Variant type: single nucleotide variant.
Coding change: c.2265+100C>T on transcript NM_001244008.2 (MANE Select); 100 bases into the intron after coding-DNA position 2265, C replaced by T.
Molecular consequence: intron variant.
Genome position (GRCh38, 1-based): chr2:240,761,129, G>A on the plus strand (C>T on the coding strand, the complement: KIF1A is on the minus strand). VCF-style: chr2-240761129-G-A. GRCh37 (hg19) VCF-style: chr2-241700546-G-A.
Other names: c.2238+100C>T (NM_001379653.1, NM_001379650.1, NM_001379645.1 and 10 more transcripts); c.2340+100C>T (NM_001379635.1, NM_001330290.2, NM_001379646.1 and 2 more transcripts); c.2313+100C>T (NM_001379637.1, NM_001379648.1); c.2265+100C>T (NM_001320705.2, NM_001379638.1, NM_001330289.2).
Identifiers: ClinVar variation 682838 (VCV000682838.2), dbSNP rs74002913, ClinGen allele CA11176587.